The following is an entry in ClinVar:

ClinVar aggregate classification (germline): Benign. Review status: criteria provided, multiple submitters, no conflicts (2 of 4 stars). 2 submissions from 2 submitters: Benign (2). Last evaluated 2026-01-26.

Conditions:
Retinitis pigmentosa (RP). Identifiers: Orphanet 791, MedGen C0035334, MeSH D012174, MONDO:0019200, OMIM 268000. Inheritance: Autosomal dominant, autosomal recessive and X linked inheritance.

Allele frequency attached by ClinVar (database versions not stated): gnomAD exomes 0.00092 and 0.00241; ExAC 0.00320; gnomAD 0.01018 and 0.01098; TOPMed 0.01095; 1000 Genomes Project 0.01098; ESP Exome Variant Server 0.01138; 1000 Genomes Project 30x 0.01156.
gnomAD v4.1: 2,933 of 1,614,100 alleles (0.18%); highest among the groups gnomAD compares: African/African-American, 3.6%; 50 homozygotes.

Submissions (2):

Labcorp Genetics (formerly Invitae), Labcorp
Classification: Benign. Last evaluated: 2026-01-26. Review status: criteria provided, single submitter. Criteria: Invitae Variant Classification Sherloc (09022015). Collection method: clinical testing. Allele origin: germline.

Illumina Laboratory Services, Illumina
Classification: Benign for Retinitis pigmentosa. Last evaluated: 2018-01-13. Review status: criteria provided, single submitter. Criteria: ICSL Variant Classification Criteria 13 December 2019. Collection method: clinical testing. Allele origin: germline.
Comment: This variant was observed in the ICSL laboratory as part of a predisposition screen in an ostensibly healthy population. It had not been previously curated by ICSL or reported in the Human Gene Mutation Database (HGMD: prior to June 1st, 2018), and was therefore a candidate for classification through an automated scoring system. Utilizing variant allele frequency, disease prevalence and penetrance estimates, and inheritance mode, an automated score was calculated to assess if this variant is too frequent to cause the disease. Based on the score and internal cut-off values, a variant classified as benign is not then subjected to further curation. The score for this variant resulted in a classification of benign for this disease.

NM_005802.5(TOPORS):c.2435C>G (p.Pro812Arg)

Gene: TOPORS (TOP1 binding arginine/serine rich protein, E3 ubiquitin ligase; minus strand). Cytogenetic location: 9p21.1.
Variant type: single nucleotide variant.
Coding change: c.2435C>G on transcript NM_005802.5 (MANE Select); coding-DNA position 2435, C replaced by G.
Protein change: p.Pro812Arg; replaces proline 812 with arginine.
Molecular consequence: missense variant.
Genome position (GRCh38, 1-based): chr9:32,542,090, G>C on the plus strand (C>G on the coding strand, the complement: TOPORS is on the minus strand). VCF-style: chr9-32542090-G-C. GRCh37 (hg19) VCF-style: chr9-32542088-G-C.
Other names: c.2240C>G, p.Pro747Arg (NM_001195622.2); short protein forms P812R, P747R.
Identifiers: ClinVar variation 366564 (VCV000366564.14), dbSNP rs36034138, ClinGen allele CA5020370.